The following is an entry in ClinVar:

ClinVar aggregate classification (germline): Likely pathogenic (1 of 4 stars; one submission).

Conditions:
Intellectual developmental disorder, X-linked 9. Also called: MENTAL RETARDATION, X-LINKED 44; Intellectual disability, X-linked 9. Identifiers: Orphanet 777, MedGen C0796215, MONDO:0010660, OMIM 309549.

Submission:

Genetics Laboratory, UDIAT-Centre Diagnòstic, Hospital Universitari Parc Tauli
Classification: Likely pathogenic for intellectual disability, X-linked 9. Last evaluated: 2025-04-07. Review status: criteria provided, single submitter. Criteria: ACMG Guidelines, 2015. Collection method: clinical testing. Allele origin: unknown. Inheritance: X-linked inheritance. Affected: yes.
Comment: PS2_strong;PM1_moderate;PM2_supporting;PP3_supporting

NM_012280.4(FTSJ1):c.587G>A (p.Cys196Tyr)

Gene: FTSJ1 (FtsJ RNA 2'-O-methyltransferase 1; plus strand). Cytogenetic location: Xp11.23.
Variant type: single nucleotide variant.
Coding change: c.587G>A on transcript NM_012280.4 (MANE Select); coding-DNA position 587, G replaced by A.
Protein change: p.Cys196Tyr; replaces cysteine 196 with tyrosine.
Molecular consequence: missense variant.
Genome position (GRCh38, 1-based): chrX:48,481,647, G>A. VCF-style: chrX-48481647-G-A. GRCh37 (hg19) VCF-style: chrX-48340035-G-A.
Other names: c.176G>A, p.Cys59Tyr (NM_001282157.2); c.587G>A, p.Cys196Tyr (NM_177439.3); short protein forms C196Y, C59Y.
Identifiers: ClinVar variation 3897579 (VCV003897579.1).